The following is an entry in ClinVar:

NM_000393.5(COL5A2):c.3200G>A (p.Arg1067His)

Gene: COL5A2 (collagen type V alpha 2 chain; minus strand). Cytogenetic location: 2q32.2.
Variant type: single nucleotide variant.
Coding change: c.3200G>A on transcript NM_000393.5 (MANE Select); coding-DNA position 3200, G replaced by A.
Protein change: p.Arg1067His; replaces arginine 1067 with histidine.
Molecular consequence: missense variant.
Genome position (GRCh38, 1-based): chr2:189,048,210, C>T on the plus strand (G>A on the coding strand, the complement: COL5A2 is on the minus strand). VCF-style: chr2-189048210-C-T. GRCh37 (hg19) VCF-style: chr2-189912936-C-T.
Other names: short protein forms R1067H.
Identifiers: ClinVar variation 809123 (VCV000809123.49), dbSNP rs780705330, ClinGen allele CA2022081.

ClinVar aggregate classification (germline): Uncertain significance. Review status: criteria provided, multiple submitters, no conflicts (2 of 4 stars). 4 submissions from 4 submitters: Uncertain significance (4). Last evaluated 2025-09-15.

Conditions:
Familial thoracic aortic aneurysm and aortic dissection (TAAD). Also called: Thoracic aortic aneurysms and dissections. Identifiers: Orphanet 91387, MedGen C4707243, MONDO:0019625.
Ehlers-Danlos syndrome, classic type, 1 (EDSCL1). Also called: Ehlers-Danlos syndrome, type 1; Ehlers-Danlos Syndrome, Classic Type, COL5A1-Related; EDS I; EHLERS-DANLOS SYNDROME, GRAVIS TYPE; EHLERS-DANLOS SYNDROME, SEVERE CLASSIC TYPE. Identifiers: MedGen C0268335, MONDO:0019567, OMIM 130000.

Allele frequency attached by ClinVar (database versions not stated): gnomAD 0.00001; gnomAD exomes 0.00001 and 0.00002; TOPMed 0.00001; ExAC 0.00002.
gnomAD v4.1: 26 of 1,613,384 alleles (0.0016%); highest among the groups gnomAD compares: Middle Eastern, 0.016%; no homozygotes.

Submissions (4):

Labcorp Genetics (formerly Invitae), Labcorp
Classification: Uncertain significance for Ehlers-Danlos syndrome, classic type, 1. Last evaluated: 2025-09-15. Review status: criteria provided, single submitter. Criteria: Invitae Variant Classification Sherloc (09022015). Collection method: clinical testing. Allele origin: germline.
Comment: This sequence change replaces arginine, which is basic and polar, with histidine, which is basic and polar, at codon 1067 of the COL5A2 protein (p.Arg1067His). This variant is present in population databases (rs780705330, gnomAD 0.003%). This variant has not been reported in the literature in individuals affected with COL5A2-related conditions. ClinVar contains an entry for this variant (Variation ID: 809123). Experimental studies and prediction algorithms are not available or were not evaluated, and the functional significance of this variant is currently unknown. In summary, the available evidence is currently insufficient to determine the role of this variant in disease. Therefore, it has been classified as a Variant of Uncertain Significance.

Ambry Genetics
Classification: Uncertain significance for Familial thoracic aortic aneurysm and aortic dissection. Last evaluated: 2023-09-21. Review status: criteria provided, single submitter. Criteria: Ambry Variant Classification Scheme 2023. Collection method: clinical testing. Allele origin: germline.
Comment: The p.R1067H variant (also known as c.3200G>A), located in coding exon 45 of the COL5A2 gene, results from a G to A substitution at nucleotide position 3200. The arginine at codon 1067 is replaced by histidine, an amino acid with highly similar properties. This amino acid position is well conserved in available vertebrate species. In addition, the in silico prediction for this alteration is inconclusive. Since supporting evidence is limited at this time, the clinical significance of this alteration remains unclear.

GeneDx
Classification: Uncertain significance. Last evaluated: 2020-01-16. Review status: criteria provided, single submitter. Criteria: GeneDx Variant Classification Process June 2021. Collection method: clinical testing. Allele origin: germline. Affected: yes.
Comment: Has not been previously published as pathogenic or benign to our knowledge; Not observed at a significant frequency in large population cohorts (Lek et al., 2016); In silico analysis, which includes protein predictors and evolutionary conservation, supports a deleterious effect

CeGaT Center for Human Genetics Tuebingen
Classification: Uncertain significance. Last evaluated: 2019-05-01. Review status: criteria provided, single submitter. Criteria: CeGaT Center For Human Genetics Tuebingen Variant Classification Criteria Version 2. Collection method: clinical testing. Allele origin: germline. Affected: yes. Observed: 1 variant allele.